The following is an entry in ClinVar:

NM_018979.4(WNK1):c.3347C>T (p.Ser1116Leu)

Gene: WNK1 (WNK lysine deficient protein kinase 1; plus strand). Cytogenetic location: 12p13.33.
Variant type: single nucleotide variant.
Coding change: c.3347C>T on transcript NM_018979.4 (MANE Select); coding-DNA position 3347, C replaced by T.
Protein change: p.Ser1116Leu; replaces serine 1116 with leucine.
Molecular consequence: missense variant.
Genome position (GRCh38, 1-based): chr12:882,048, C>T. VCF-style: chr12-882048-C-T. GRCh37 (hg19) VCF-style: chr12-991214-C-T.
Other names: c.4127C>T, p.Ser1376Leu (NM_001184985.2); c.2606C>T, p.Ser869Leu (NM_014823.3); c.4103C>T, p.Ser1368Leu (NM_213655.5); short protein forms S1116L, S1368L, S1376L, S869L.
Identifiers: ClinVar variation 1957842 (VCV001957842.5), dbSNP rs751974876, ClinGen allele CA6382745.

ClinVar aggregate classification (germline): Uncertain significance (1 of 4 stars; one submission).

Conditions:
Neuropathy, hereditary sensory and autonomic, type 2A (HSAN2A). Also called: HSAN IIA; WNK1-Related HSAN2 (HSAN2A); ACROOSTEOLYSIS, GIACCAI TYPE; ACROOSTEOLYSIS, NEUROGENIC; MORVAN DISEASE; NEUROPATHY, CONGENITAL SENSORY. Identifiers: Orphanet 970, MedGen C2752089, MONDO:0024309, OMIM 201300.
Pseudohypoaldosteronism type 2C (PHA2C). Also called: Pseudohypoaldosteronism Type IIC. Identifiers: Orphanet 757, Orphanet 88940, MedGen C1840391, MONDO:0013778, OMIM 614492.

Allele frequency attached by ClinVar (database versions not stated): gnomAD exomes below 0.00001; TOPMed below 0.00001; ExAC 0.00001.
gnomAD v4.1: 4 of 1,613,562 alleles (0.00025%); highest among the groups gnomAD compares: East Asian, 0.0067%; no homozygotes.

Submission:

Labcorp Genetics (formerly Invitae), Labcorp
Classification: Uncertain significance for Neuropathy, hereditary sensory and autonomic, type 2A; Pseudohypoaldosteronism type 2C. Last evaluated: 2024-08-13. Review status: criteria provided, single submitter. Criteria: Invitae Variant Classification Sherloc (09022015). Collection method: clinical testing. Allele origin: germline.
Comment: This sequence change replaces serine, which is neutral and polar, with leucine, which is neutral and non-polar, at codon 1368 of the WNK1 protein (p.Ser1368Leu). This variant is present in population databases (rs751974876, gnomAD 0.0009%). This variant has not been reported in the literature in individuals affected with WNK1-related conditions. ClinVar contains an entry for this variant (Variation ID: 1957842). Advanced modeling of protein sequence and biophysical properties (such as structural, functional, and spatial information, amino acid conservation, physicochemical variation, residue mobility, and thermodynamic stability) performed at Invitae indicates that this missense variant is not expected to disrupt WNK1 protein function with a negative predictive value of 95%. In summary, the available evidence is currently insufficient to determine the role of this variant in disease. Therefore, it has been classified as a Variant of Uncertain Significance.